The following is an entry in ClinVar:

ClinVar aggregate classification (germline): Benign/Likely benign. Review status: criteria provided, multiple submitters, no conflicts (2 of 4 stars). 5 submissions from 5 submitters: Benign (1); Likely benign (4). Last evaluated 2026-01-01.

Allele frequency attached by ClinVar (database versions not stated): 1000 Genomes Project 30x 0.00109; 1000 Genomes Project 0.00140; gnomAD 0.00190; ESP Exome Variant Server 0.00192; TOPMed 0.00211.

Submissions (5):

CeGaT Center for Human Genetics Tuebingen
Classification: Likely benign. Last evaluated: 2026-01-01. Review status: criteria provided, single submitter. Criteria: CeGaT Center For Human Genetics Tuebingen Variant Classification Criteria Version 2. Collection method: clinical testing. Allele origin: germline. Affected: yes. Observed: 2 variant alleles.
Comment: CLCNKA: BP4, BP7, BS2

Blueprint Genetics
Classification: Likely benign. Last evaluated: 2024-11-19. Review status: criteria provided, single submitter. Criteria: ACMG Guidelines, 2015. Collection method: clinical testing. Allele origin: germline.

GeneDx
Classification: Likely benign. Last evaluated: 2020-08-12. Review status: criteria provided, single submitter. Criteria: GeneDx Variant Classification Process June 2021. Collection method: clinical testing. Allele origin: germline. Affected: yes.

Labcorp Genetics (formerly Invitae), Labcorp
Classification: Likely benign. Last evaluated: 2018-07-30. Review status: criteria provided, single submitter. Criteria: Invitae Variant Classification Sherloc (09022015). Collection method: clinical testing. Allele origin: germline.

Athena Diagnostics
Classification: Benign. Last evaluated: 2016-08-18. Review status: criteria provided, single submitter. Criteria: Athena Diagnostics Criteria. Collection method: clinical testing. Allele origin: germline.

NM_004070.4(CLCNKA):c.1005C>T (p.Leu335=)

Genes: CLCNKA (chloride voltage-gated channel Ka; plus strand), LOC106501712 (CLCNKA recombination region; plus strand). Cytogenetic location: 1p36.13.
Variant type: single nucleotide variant.
Coding change: c.1005C>T on transcript NM_004070.4 (MANE Select); coding-DNA position 1005, C replaced by T.
Protein change: p.Leu335=; no amino-acid change (leucine 335 retained).
Molecular consequence: synonymous variant.
Genome position (GRCh38, 1-based): chr1:16,028,797, C>T. VCF-style: chr1-16028797-C-T. GRCh37 (hg19) VCF-style: chr1-16355292-C-T.
Other names: c.1005C>T, p.Leu335= (NM_001042704.2); c.876C>T, p.Leu292= (NM_001257139.2).
Identifiers: ClinVar variation 447079 (VCV000447079.17), dbSNP rs143253425, ClinGen allele CA622548.
Genomic context (GRCh38, chr1:16,028,797, plus strand): 5'-CTAGAGCTCACCCACCCCCCACAGCAAGCCTGTGTACTCCGCTCTGGCCACCTTGCTTCT[C>T]GCCTCCATCACCTACCCGCCTGGTGTGGGCCACTTCCTAGCTTCTCGGGTAAGGGGTCCT-3'
Protein context (NP_004061.3, residues 325-345): PVYSALATLL[Leu335=]ASITYPPGVG